The following is an entry in ClinVar:

NM_001278689.2(EOGT):c.293G>A (p.Ser98Asn)

Gene: EOGT (EGF domain specific O-linked N-acetylglucosamine transferase; minus strand). Cytogenetic location: 3p14.1.
Variant type: single nucleotide variant.
Coding change: c.293G>A on transcript NM_001278689.2 (MANE Select); coding-DNA position 293, G replaced by A.
Protein change: p.Ser98Asn; replaces serine 98 with asparagine.
Molecular consequence: missense variant. On other transcripts: non-coding transcript variant (1).
Genome position (GRCh38, 1-based): chr3:69,008,446, C>T on the plus strand (G>A on the coding strand, the complement: EOGT is on the minus strand). VCF-style: chr3-69008446-C-T. GRCh37 (hg19) VCF-style: chr3-69057597-C-T.
Other names: c.293G>A, p.Ser98Asn (NM_173654.3); short protein forms S98N.
Identifiers: ClinVar variation 1961262 (VCV001961262.5), dbSNP rs777150936, ClinGen allele CA353469206.

ClinVar aggregate classification (germline): Uncertain significance (1 of 4 stars; one submission).

Conditions:
Adams-Oliver syndrome 4 (AOS4). Identifiers: Orphanet 974, MedGen C3809092, MONDO:0014124, OMIM 615297.

Allele frequency attached by ClinVar (database versions not stated): gnomAD exomes 0.00001.
gnomAD v4.1: 6 of 1,613,882 alleles (0.00037%); highest among the groups gnomAD compares: South Asian, 0.0033%; no homozygotes.

Submission:

Labcorp Genetics (formerly Invitae), Labcorp
Classification: Uncertain significance for Adams-Oliver syndrome 4. Last evaluated: 2022-08-12. Review status: criteria provided, single submitter. Criteria: Invitae Variant Classification Sherloc (09022015). Collection method: clinical testing. Allele origin: germline.
Comment: Algorithms developed to predict the effect of missense changes on protein structure and function output the following: SIFT: "Tolerated"; PolyPhen-2: "Benign"; Align-GVGD: "Class C0". The asparagine amino acid residue is found in multiple mammalian species, which suggests that this missense change does not adversely affect protein function. In summary, the available evidence is currently insufficient to determine the role of this variant in disease. Therefore, it has been classified as a Variant of Uncertain Significance. This variant is present in population databases (no rsID available, gnomAD 0.003%). This sequence change replaces serine, which is neutral and polar, with asparagine, which is neutral and polar, at codon 98 of the EOGT protein (p.Ser98Asn). This variant has not been reported in the literature in individuals affected with EOGT-related conditions.